The following is an entry in ClinVar:

ClinVar aggregate classification (germline): Uncertain significance. Review status: criteria provided, multiple submitters, no conflicts (2 of 4 stars). 2 submissions from 2 submitters: Uncertain significance (2). Last evaluated 2025-10-27.

Conditions:
Holoprosencephaly 11 (HPE11). Identifiers: Orphanet 2162, MedGen C3280215, MONDO:0013642, OMIM 614226.

Allele frequency attached by ClinVar (database versions not stated): gnomAD exomes 0.00001; TOPMed 0.00001; ExAC 0.00002; gnomAD 0.00003 and 0.00004.
gnomAD v4.1: 25 of 1,613,196 alleles (0.0015%); highest among the groups gnomAD compares: Non-Finnish European, 0.002%; no homozygotes.

Submissions (2):

Labcorp Genetics (formerly Invitae), Labcorp
Classification: Uncertain significance for Holoprosencephaly 11. Last evaluated: 2025-10-27. Review status: criteria provided, single submitter. Criteria: Invitae Variant Classification Sherloc (09022015). Collection method: clinical testing. Allele origin: germline.
Comment: This sequence change replaces cysteine, which is neutral and slightly polar, with arginine, which is basic and polar, at codon 921 of the CDON protein (p.Cys921Arg). This variant is present in population databases (rs763031665, gnomAD 0.006%). This variant has not been reported in the literature in individuals affected with CDON-related conditions. ClinVar contains an entry for this variant (Variation ID: 916399). Invitae Evidence Modeling of protein sequence and biophysical properties (such as structural, functional, and spatial information, amino acid conservation, physicochemical variation, residue mobility, and thermodynamic stability) has been performed for this missense variant. However, the output from this modeling did not meet the statistical confidence thresholds required to predict the impact of this variant on CDON protein function. In summary, the available evidence is currently insufficient to determine the role of this variant in disease. Therefore, it has been classified as a Variant of Uncertain Significance.

CeGaT Center for Human Genetics Tuebingen
Classification: Uncertain significance. Last evaluated: 2020-02-01. Review status: criteria provided, single submitter. Criteria: CeGaT Center For Human Genetics Tuebingen Variant Classification Criteria Version 2. Collection method: clinical testing. Allele origin: germline. Affected: yes. Observed: 2 variant alleles.

NM_001378964.1(CDON):c.2761T>C (p.Cys921Arg)

Gene: CDON (cell adhesion associated, oncogene regulated; minus strand). Cytogenetic location: 11q24.2.
Variant type: single nucleotide variant.
Coding change: c.2761T>C on transcript NM_001378964.1 (MANE Select); coding-DNA position 2761, T replaced by C.
Protein change: p.Cys921Arg; replaces cysteine 921 with arginine.
Molecular consequence: missense variant.
Genome position (GRCh38, 1-based): chr11:125,989,649, A>G on the plus strand (T>C on the coding strand, the complement: CDON is on the minus strand). VCF-style: chr11-125989649-A-G. GRCh37 (hg19) VCF-style: chr11-125859544-A-G.
Other names: c.2761T>C, p.Cys921Arg (NM_001243597.3, NM_016952.6); short protein forms C921R.
Identifiers: ClinVar variation 916399 (VCV000916399.43), dbSNP rs763031665, ClinGen allele CA6351628.